The following is an entry in ClinVar:

ClinVar aggregate classification (germline): Conflicting classifications of pathogenicity. Review status: criteria provided, conflicting classifications (1 of 4 stars). 7 submissions from 7 submitters: Uncertain significance (4); Likely benign (2). 1 of the submissions does not count toward it. Last evaluated 2025-10-03.

Conditions:
ASPM-related disorder. Also called: ASPM-related condition.
Microcephaly 5, primary, autosomal recessive (MCPH5). Also called: ASPM Primary Microcephaly. Identifiers: Orphanet 2512, MedGen C1837501, MONDO:0012106, OMIM 608716.

Allele frequency attached by ClinVar (database versions not stated): ExAC 0.00001; gnomAD exomes 0.00001 and 0.00003; gnomAD 0.00003; TOPMed 0.00003.
gnomAD v4.1: 56 of 1,613,318 alleles (0.0035%); highest among the groups gnomAD compares: East Asian, 0.025%; no homozygotes.

Submissions (7):

Women's Health and Genetics/Laboratory Corporation of America, LabCorp
Classification: Uncertain significance. Last evaluated: 2025-10-03. Review status: criteria provided, single submitter. Criteria: LabCorp Variant Classification Summary - May 2015. Collection method: clinical testing. Allele origin: germline.
Comment: Variant summary: ASPM c.9553G>C (p.Ala3185Pro) results in a non-conservative amino acid change in the encoded protein sequence. Algorithms developed to predict the effect of missense changes on protein structure and function all suggest that this variant is likely to be disruptive. The variant allele was found at a frequency of 2.8e-05 in 250592 control chromosomes. The available data on variant occurrences in the general population are insufficient to allow any conclusion about variant significance. To our knowledge, no occurrence of c.9553G>C in individuals affected with ASPM-related conditions and no experimental evidence demonstrating its impact on protein function have been reported. ClinVar contains an entry for this variant (Variation ID: 1303573). Based on the evidence outlined above, the variant was classified as uncertain significance.

Blueprint Genetics
Classification: Likely benign. Last evaluated: 2024-11-01. Review status: criteria provided, single submitter. Criteria: ACMG Guidelines, 2015. Collection method: clinical testing. Allele origin: germline.

3billion
Classification: Likely benign for Microcephaly 5, primary, autosomal recessive. Last evaluated: 2024-09-20. Review status: criteria provided, single submitter. Criteria: ACMG Guidelines, 2015. Collection method: clinical testing. Allele origin: germline. Affected: no.
Comment: The homozygous variant was found in patients diagnosed with another variant in a different gene, with no symptoms related to the gene containing the homozygous variant.

Genome-Nilou Lab
Classification: Uncertain significance for Microcephaly 5, primary, autosomal recessive. Last evaluated: 2023-04-11. Review status: criteria provided, single submitter. Criteria: ACMG Guidelines, 2015. Collection method: clinical testing. Allele origin: germline. Affected: no.

Labcorp Genetics (formerly Invitae), Labcorp
Classification: Uncertain significance. Last evaluated: 2022-08-23. Review status: criteria provided, single submitter. Criteria: Invitae Variant Classification Sherloc (09022015). Collection method: clinical testing. Allele origin: germline.
Comment: This sequence change replaces alanine, which is neutral and non-polar, with proline, which is neutral and non-polar, at codon 3185 of the ASPM protein (p.Ala3185Pro). This variant is present in population databases (rs375985254, gnomAD 0.04%). This variant has not been reported in the literature in individuals affected with ASPM-related conditions. ClinVar contains an entry for this variant (Variation ID: 1303573). Algorithms developed to predict the effect of missense changes on protein structure and function are either unavailable or do not agree on the potential impact of this missense change (SIFT: "Deleterious"; PolyPhen-2: "Probably Damaging"; Align-GVGD: "Class C0"). In summary, the available evidence is currently insufficient to determine the role of this variant in disease. Therefore, it has been classified as a Variant of Uncertain Significance.

GeneDx
Classification: Uncertain significance. Last evaluated: 2021-10-26. Review status: criteria provided, single submitter. Criteria: GeneDx Variant Classification Process June 2021. Collection method: clinical testing. Allele origin: germline. Affected: yes.
Comment: In silico analysis supports that this missense variant has a deleterious effect on protein structure/function; Missense variant in a gene in which most reported pathogenic variants are truncating/loss-of-function; Has not been previously published as pathogenic or benign to our knowledge

PreventionGenetics, part of Exact Sciences
Classification: Uncertain significance for ASPM-related condition. Last evaluated: 2024-01-21. Review status: no assertion criteria provided. Collection method: clinical testing. Allele origin: germline. Not counted in ClinVar's aggregate classification.
Comment: The ASPM c.9553G>C variant is predicted to result in the amino acid substitution p.Ala3185Pro. To our knowledge, this variant has not been reported in the literature. This variant is reported in 0.040% of alleles in individuals of East Asian descent in gnomAD. At this time, the clinical significance of this variant is uncertain due to the absence of conclusive functional and genetic evidence.

NM_018136.5(ASPM):c.9553G>C (p.Ala3185Pro)

Gene: ASPM (assembly factor for spindle microtubules; minus strand). Cytogenetic location: 1q31.3.
Variant type: single nucleotide variant.
Coding change: c.9553G>C on transcript NM_018136.5 (MANE Select); coding-DNA position 9553, G replaced by C.
Protein change: p.Ala3185Pro; replaces alanine 3185 with proline.
Molecular consequence: missense variant.
Genome position (GRCh38, 1-based): chr1:197,090,933, C>G on the plus strand (G>C on the coding strand, the complement: ASPM is on the minus strand). VCF-style: chr1-197090933-C-G. GRCh37 (hg19) VCF-style: chr1-197060063-C-G.
Other names: c.4798G>C, p.Ala1600Pro (NM_001206846.2); short protein forms A1600P, A3185P.
Identifiers: ClinVar variation 1303573 (VCV001303573.8), dbSNP rs375985254, ClinGen allele CA1308925.